The following is an entry in ClinVar:

ClinVar aggregate classification (germline): Pathogenic (1 of 4 stars; one submission).

Conditions:
Osteogenesis imperfecta type I (OI1). Also called: Classic Non-deforming Osteogenesis Imperfecta with Blue Sclerae; OI, TYPE I; OSTEOGENESIS IMPERFECTA TARDA; OSTEOGENESIS IMPERFECTA WITH BLUE SCLERAE; Osteogenesis imperfecta type 1; Lobstein's Disease. Identifiers: Orphanet 216796, Orphanet 666, MedGen C0023931, MONDO:0008146, OMIM 166200. Disease mechanism: loss of function.

Submission:

Labcorp Genetics (formerly Invitae), Labcorp
Classification: Pathogenic for Osteogenesis imperfecta type I. Last evaluated: 2022-07-06. Review status: criteria provided, single submitter. Criteria: Invitae Variant Classification Sherloc (09022015). Collection method: clinical testing. Allele origin: germline.
Comment: This sequence change creates a premature translational stop signal (p.Gly431Valfs*113) in the COL1A1 gene. It is expected to result in an absent or disrupted protein product. Loss-of-function variants in COL1A1 are known to be pathogenic (PMID: 7942841, 9295084, 9443882). This variant is not present in population databases (gnomAD no frequency). This variant has not been reported in the literature in individuals affected with COL1A1-related conditions. ClinVar contains an entry for this variant (Variation ID: 1416419). Algorithms developed to predict the effect of sequence changes on RNA splicing suggest that this variant may create or strengthen a splice site. For these reasons, this variant has been classified as Pathogenic.

Literature cited by the submitters: PubMed 7942841; PubMed 9295084; PubMed 9443882.

NM_000088.4(COL1A1):c.1284_1291dup (p.Gly431fs)

Gene: COL1A1 (collagen type I alpha 1 chain; minus strand). Cytogenetic location: 17q21.33.
Variant type: Duplication.
Coding change: c.1284_1291dup on transcript NM_000088.4 (MANE Select); coding-DNA positions 1284 to 1291, 8 bases duplicated (TCCCAAGG; older notation c.1284_1291dupTCCCAAGG).
Protein change: p.Gly431fs; shifts the reading frame from glycine 431.
Molecular consequence: frameshift variant.
Genome position (GRCh38, 1-based): chr17:50,195,240-50,195,247, CCTTGGGA duplicated on the plus strand (TCCCAAGG on the coding strand, the reverse complement: COL1A1 is on the minus strand); duplicating any 8 consecutive bases within chr17:50,195,240-50,195,249 gives the same sequence; the c. name uses the placement nearest the transcript's 3' end. VCF-style (leftmost placement, unchanged base first): chr17-50195239-C-CCCTTGGGA. GRCh37 (hg19) VCF-style: chr17-48272600-C-CCCTTGGGA.
Other names: short protein forms G431fs.
Identifiers: ClinVar variation 1416419 (VCV001416419.6), dbSNP rs2144575412, ClinGen allele CA2573154194.